The following is an entry in ClinVar:

ClinVar aggregate classification (germline): Pathogenic/Likely pathogenic. Review status: criteria provided, multiple submitters, no conflicts (2 of 4 stars). 2 submissions from 2 submitters: Pathogenic (1); Likely pathogenic (1). Last evaluated 2018-07-01.

Conditions:
Tubulinopathy. Also called: Tubulinopathies. Identifiers: MedGen CN850169, MONDO:0100153.
Inborn genetic diseases. Identifiers: MedGen C0950123, MeSH D030342.

Submissions (2):

Institute of Human Genetics, FAU Erlangen, Friedrich-Alexander-Universität Erlangen-Nürnberg
Classification: Likely pathogenic for Tubulinopathies. Last evaluated: 2018-07-01. Review status: criteria provided, single submitter. Criteria: ACMG Guidelines, 2015. Collection method: literature only. Allele origin: germline. Affected: yes. Observed: 1 variant allele.
Comment: The c.424G>A, (p.Gly142Ser) variant has been reported as a variant of germline/unknown origin.

Ambry Genetics
Classification: Pathogenic for Inborn genetic diseases. Last evaluated: 2015-05-19. Review status: criteria provided, single submitter. Criteria: Ambry exome assertion method (8-5-2015). Collection method: clinical testing. Allele origin: germline. Affected: yes. Observed: 1 variant allele.

Literature cited by the submitters: PubMed 30744660 (cited by Institute of Human Genetics, FAU Erlangen, Friedrich-Alexander-Universität Erlangen-Nürnberg); DOI 10.1101/427948 (cited by Institute of Human Genetics, FAU Erlangen, Friedrich-Alexander-Universität Erlangen-Nürnberg).

NM_006009.4(TUBA1A):c.424G>A (p.Gly142Ser)

Gene: TUBA1A (tubulin alpha 1a; minus strand). Cytogenetic location: 12q13.12.
Variant type: single nucleotide variant.
Coding change: c.424G>A on transcript NM_006009.4 (MANE Select); coding-DNA position 424, G replaced by A.
Protein change: p.Gly142Ser; replaces glycine 142 with serine.
Molecular consequence: missense variant.
Genome position (GRCh38, 1-based): chr12:49,185,942, C>T on the plus strand (G>A on the coding strand, the complement: TUBA1A is on the minus strand). VCF-style: chr12-49185942-C-T. GRCh37 (hg19) VCF-style: chr12-49579725-C-T.
Other names: c.424G>A, p.Gly142Ser (NM_001270399.2); c.319G>A, p.Gly107Ser (NM_001270400.2); short protein forms G142S, G107S.
Identifiers: ClinVar variation 520702 (VCV000520702.5), dbSNP rs1555162407, ClinGen allele CA384642691.